The following is an entry in ClinVar:

ClinVar aggregate classification (germline): Uncertain significance (1 of 4 stars; one submission).

Conditions:
Autosomal dominant nonsyndromic hearing loss 1. Also called: KONIGSMARK SYNDROME; DEAFNESS, AUTOSOMAL DOMINANT 1, WITH OR WITHOUT THROMBOCYTOPENIA. Identifiers: Orphanet 90635, MedGen C1852282, MONDO:0007424, OMIM 124900.
Progressive microcephaly-seizures-cortical blindness-developmental delay syndrome. Also called: Seizures, cortical blindness, and microcephaly syndrome. Identifiers: Orphanet 477814, MedGen C5567650, MONDO:0014714, OMIM 616632.

Submission:

Labcorp Genetics (formerly Invitae), Labcorp
Classification: Uncertain significance for Progressive microcephaly-seizures-cortical blindness-developmental delay syndrome; Autosomal dominant nonsyndromic hearing loss 1. Last evaluated: 2020-12-28. Review status: criteria provided, single submitter. Criteria: Invitae Variant Classification Sherloc (09022015). Collection method: clinical testing. Allele origin: germline.
Comment: This variant has not been reported in the literature in individuals with DIAPH1-related conditions. In summary, the available evidence is currently insufficient to determine the role of this variant in disease. Therefore, it has been classified as a Variant of Uncertain Significance. Algorithms developed to predict the effect of missense changes on protein structure and function are either unavailable or do not agree on the potential impact of this missense change (SIFT: "Tolerated"; PolyPhen-2: "Not Available"; Align-GVGD: "Class C0"). This variant is not present in population databases (ExAC no frequency). This sequence change replaces alanine with threonine at codon 251 of the DIAPH1 protein (p.Ala251Thr). The alanine residue is moderately conserved and there is a small physicochemical difference between alanine and threonine.

NM_005219.5(DIAPH1):c.751G>A (p.Ala251Thr)

Gene: DIAPH1 (diaphanous related formin 1; minus strand). Cytogenetic location: 5q31.3.
Variant type: single nucleotide variant.
Coding change: c.751G>A on transcript NM_005219.5 (MANE Select); coding-DNA position 751, G replaced by A.
Protein change: p.Ala251Thr; replaces alanine 251 with threonine.
Molecular consequence: missense variant.
Genome position (GRCh38, 1-based): chr5:141,580,817, C>T on the plus strand (G>A on the coding strand, the complement: DIAPH1 is on the minus strand). VCF-style: chr5-141580817-C-T. GRCh37 (hg19) VCF-style: chr5-140960384-C-T.
Other names: c.724G>A, p.Ala242Thr (NM_001079812.3); c.751G>A, p.Ala251Thr (NM_001314007.2); short protein forms A242T, A251T.
Identifiers: ClinVar variation 1498498 (VCV001498498.8), dbSNP rs2154596507, ClinGen allele CA361536871.